The following is an entry in ClinVar:

NM_198721.4(COL25A1):c.1797C>G (p.Phe599Leu)

Gene: COL25A1 (collagen type XXV alpha 1 chain; minus strand). Cytogenetic location: 4q25.
Variant type: single nucleotide variant.
Coding change: c.1797C>G on transcript NM_198721.4 (MANE Select); coding-DNA position 1797, C replaced by G.
Protein change: p.Phe599Leu; replaces phenylalanine 599 with leucine.
Molecular consequence: missense variant. On other transcripts: non-coding transcript variant (1).
Genome position (GRCh38, 1-based): chr4:108,824,222, G>C on the plus strand (C>G on the coding strand, the complement: COL25A1 is on the minus strand). VCF-style: chr4-108824222-G-C. GRCh37 (hg19) VCF-style: chr4-109745378-G-C.
Other names: c.1806C>G, p.Phe602Leu (NM_001256074.3); c.1797C>G, p.Phe599Leu (NM_032518.4); short protein forms F599L, F602L.
Identifiers: ClinVar variation 452083 (VCV000452083.3), dbSNP rs766049644, ClinGen allele CA3039046.

ClinVar aggregate classification (germline): Uncertain significance. Review status: criteria provided, multiple submitters, no conflicts (2 of 4 stars). 2 submissions from 2 submitters: Uncertain significance (2). Last evaluated 2017-09-21.

gnomAD v4.1: 27 of 1,611,296 alleles (0.0017%); highest among the groups gnomAD compares: Middle Eastern, 0.05%; no homozygotes.

Submissions (2):

GeneDx
Classification: Uncertain significance. Last evaluated: 2017-09-21. Review status: criteria provided, single submitter. Criteria: GeneDx Variant Classification (06012015). Collection method: clinical testing. Allele origin: germline. Affected: yes.
Comment: The F599L variant in the COL25A1 gene has not been reported previously as a pathogenic variant, nor as a benign variant, to our knowledge. This variant is not observed at a significant frequency in large population cohorts (Lek et al., 2016). The F599L variant is a conservative amino acid substitution, which is not likely to impact secondary protein structure as these residues share similar properties. This substitution occurs at a position where amino acids with similar properties to Phenylalanine are tolerated across species. In silico analysis is inconsistent in its predictions as to whether or not the variant is damaging to the protein structure/function. We interpret F599L as a variant of uncertain significance.

Breakthrough Genomics
Classification: Uncertain significance. Review status: criteria provided, single submitter. Criteria: ACMG Guidelines, 2015. Collection method: not provided. Allele origin: germline. Inheritance: Autosomal recessive inheritance. Affected: yes.